The following is an entry in ClinVar:

NM_002439.5(MSH3):c.2461_2475del (p.Leu821_Val825del)

Gene: MSH3 (mutS homolog 3; plus strand). Cytogenetic location: 5q14.1.
Variant type: Deletion.
Coding change: c.2461_2475del on transcript NM_002439.5 (MANE Select); coding-DNA positions 2461 to 2475, 15 bases deleted (TTGTGTAAAGCAGTG).
Protein change: p.Leu821_Val825del.
Molecular consequence: inframe deletion.
Genome position (GRCh38, 1-based): chr5:80,787,590-80,787,604, TTGTGTAAAGCAGTG deleted. VCF-style (leftmost placement, unchanged base first): chr5-80787589-CTTGTGTAAAGCAGTG-C. GRCh37 (hg19) VCF-style: chr5-80083408-CTTGTGTAAAGCAGTG-C.
Identifiers: ClinVar variation 2761443 (VCV002761443.3), dbSNP rs2546784303, ClinGen allele CA2697546216.
Genomic context (GRCh38, chr5:80,787,589, plus strand): 5'-TTGCTCACCTTTTTGTTGTTGCTGCTGCTTCCGTAGGAAATTCAGTGAACATTATCACTC[CTTGTGTAAAGCAGTG>C]CATCACCTAGCAACTGTTGACTGCATTTTCTCCCTGGCCAAGGTCGCTAAGCAAGGAGAT-3'

ClinVar aggregate classification (germline): Uncertain significance (1 of 4 stars; one submission).

Submission:

Labcorp Genetics (formerly Invitae), Labcorp
Classification: Uncertain significance. Last evaluated: 2024-01-03. Review status: criteria provided, single submitter. Criteria: Invitae Variant Classification Sherloc (09022015). Collection method: clinical testing. Allele origin: germline.
Comment: This variant, c.2461_2475del, results in the deletion of 5 amino acid(s) of the MSH3 protein (p.Leu821_Val825del), but otherwise preserves the integrity of the reading frame. This variant is not present in population databases (gnomAD no frequency). This variant has not been reported in the literature in individuals affected with MSH3-related conditions. Experimental studies and prediction algorithms are not available or were not evaluated, and the functional significance of this variant is currently unknown. In summary, the available evidence is currently insufficient to determine the role of this variant in disease. Therefore, it has been classified as a Variant of Uncertain Significance.